The following is an entry in ClinVar:

ClinVar aggregate classification (germline): Likely pathogenic. Review status: reviewed by expert panel (3 of 4 stars). 2 submissions from 2 submitters: Likely pathogenic (1). 1 of the submissions does not count toward it. Last evaluated 2025-09-25.

Conditions:
Ataxia-telangiectasia syndrome (AT). Also called: LOUIS-BAR SYNDROME; Cerebello-oculocutaneous telangiectasia; Immunodeficiency with ataxia telangiectasia; Ataxia telangiectasia (A-T); Ataxia-telangiectasia, complementation group D; AT, COMPLEMENTATION GROUP C. Identifiers: Orphanet 100, MedGen C0004135, MONDO:0008840, OMIM 208900.
ATM-related cancer predisposition. Also called: ATM-related cancer susceptibility. Identifiers: MedGen CN377759, MONDO:0700270.

Allele frequency attached by ClinVar (database versions not stated): gnomAD exomes below 0.00001; ExAC 0.00001.
gnomAD v4.1: 2 of 1,614,206 alleles (0.00012%); highest among the groups gnomAD compares: South Asian, 0.0022%; no homozygotes.

Submissions (2):

ClinGen Hereditary Breast, Ovarian and Pancreatic Cancer Variant Curation Expert Panel, ClinGen
Classification: Likely pathogenic for ATM-related cancer predisposition. Last evaluated: 2025-09-25. Review status: reviewed by expert panel. Criteria: ClinGen HBOP ACMG Specifications ATM V1.3.0. Collection method: curation. Allele origin: germline. Inheritance: Autosomal dominant inheritance.
Comment: The c.8987+2T>A variant in ATM occurs within the canonical splice donor site (+/- 1,2) of intron 62. It is predicted to cause skipping of a biologically-relevant-exon, resulting in a frameshift leading to nonsense mediated decay in a gene in which loss-of-function is an established disease mechanism. This variant has been detected in at least two individuals with Ataxia-Telangiectasia (PMID: 26896183). The highest minor allele frequency in gnomAD v4.1.0 is 0.00002196 in the South Asian population (PM2_Supporting, BS1, and BA1 are not met). In summary, this variant meets the criteria to be classified as likely pathogenic for autosomal dominant ATM-related cancer predisposition and autosomal recessive Ataxia-Telangiectasia based on the ACMG/AMP criteria applied as specified by the HBOP VCEP. (PVS1, PM3)

Labcorp Genetics (formerly Invitae), Labcorp
Classification: Pathogenic for Ataxia-telangiectasia syndrome. Last evaluated: 2023-09-20. Review status: criteria provided, single submitter. Criteria: Invitae Variant Classification Sherloc (09022015). Collection method: clinical testing. Allele origin: germline. Not counted in ClinVar's aggregate classification.
Comment: For these reasons, this variant has been classified as Pathogenic. This variant disrupts a region of the ATM protein in which other variant(s) (p.Arg3047*) have been determined to be pathogenic (PMID: 8755918, 10980530, 18560558, 19691550, 26628246). This suggests that this is a clinically significant region of the protein, and that variants that disrupt it are likely to be disease-causing. Variants that disrupt the consensus splice site are a relatively common cause of aberrant splicing (PMID: 17576681, 9536098). Algorithms developed to predict the effect of sequence changes on RNA splicing suggest that this variant may disrupt the consensus splice site. Disruption of this splice site has been observed in individual(s) with ataxia-telangiectasia (PMID: 26896183). This variant is present in population databases (rs775112137, gnomAD 0.003%). This sequence change affects a donor splice site in intron 62 of the ATM gene. While this variant is not anticipated to result in nonsense mediated decay, it likely alters RNA splicing and results in a disrupted protein product.

Literature cited by the submitters: PubMed 8755918 (cited by Labcorp Genetics (formerly Invitae), Labcorp); PubMed 10980530 (cited by Labcorp Genetics (formerly Invitae), Labcorp); PubMed 18560558 (cited by Labcorp Genetics (formerly Invitae), Labcorp); PubMed 19691550 (cited by Labcorp Genetics (formerly Invitae), Labcorp); PubMed 26628246 (cited by Labcorp Genetics (formerly Invitae), Labcorp); PubMed 17576681 (cited by Labcorp Genetics (formerly Invitae), Labcorp); PubMed 9536098 (cited by Labcorp Genetics (formerly Invitae), Labcorp); PubMed 26896183 (cited by Labcorp Genetics (formerly Invitae), Labcorp).

NM_000051.4(ATM):c.8987+2T>A

Genes: ATM (ATM serine/threonine kinase; plus strand), C11orf65 (chromosome 11 open reading frame 65; minus strand). Cytogenetic location: 11q22.3.
Variant type: single nucleotide variant.
Coding change: c.8987+2T>A on transcript NM_000051.4 (MANE Select); the canonical splice donor site of the intron after coding-DNA position 8987, T replaced by A.
Molecular consequence: splice donor variant. On other transcripts: intron variant (2).
Genome position (GRCh38, 1-based): chr11:108,365,220, T>A. VCF-style: chr11-108365220-T-A. GRCh37 (hg19) VCF-style: chr11-108235947-T-A.
Other names: c.8987+2T>A (NM_001351834.2); c.640+20700A>T (NM_001330368.2); c.694+20700A>T (NM_001351110.2).
Identifiers: ClinVar variation 2780233 (VCV002780233.4), dbSNP rs775112137, ClinGen allele CA6266499.